The following is an entry in ClinVar:

NM_003000.3(SDHB):c.566G>T (p.Cys189Phe)

Gene: SDHB (succinate dehydrogenase complex iron sulfur subunit B; minus strand). Cytogenetic location: 1p36.13.
Variant type: single nucleotide variant.
Coding change: c.566G>T on transcript NM_003000.3 (MANE Select); coding-DNA position 566, G replaced by T.
Protein change: p.Cys189Phe; replaces cysteine 189 with phenylalanine.
Molecular consequence: missense variant.
Genome position (GRCh38, 1-based): chr1:17,024,049, C>A on the plus strand (G>T on the coding strand, the complement: SDHB is on the minus strand). VCF-style: chr1-17024049-C-A. GRCh37 (hg19) VCF-style: chr1-17350544-C-A.
Other names: short protein forms C189F.
Identifiers: ClinVar variation 230387 (VCV000230387.12), dbSNP rs876658540, ClinGen allele CA10577673.

ClinVar aggregate classification (germline): Pathogenic/Likely pathogenic. Review status: criteria provided, multiple submitters, no conflicts (2 of 4 stars). 3 submissions from 3 submitters: Pathogenic (1); Likely pathogenic (1). 1 of the submissions does not count toward it. Last evaluated 2025-03-26.

Conditions:
Hereditary cancer-predisposing syndrome. Also called: Neoplastic Syndromes, Hereditary; Hereditary neoplastic syndrome; Hereditary Cancer Syndrome; Tumor predisposition. Identifiers: Orphanet 140162, MedGen C0027672, MeSH D009386, MONDO:0015356.
Gastrointestinal stromal tumor. Also called: Gastrointestinal stromal tumor, somatic; Gastrointestinal stroma tumor. Identifiers: Orphanet 44890, MedGen C0238198, MeSH D046152, MONDO:0011719, OMIM 606764, HP:0100723.
Pheochromocytoma. Also called: MAX-Related Hereditary Paraganglioma-Pheochromocytoma Syndrome. Identifiers: Orphanet 29072, MedGen C0031511, MONDO:0008233, OMIM 171300, HP:0002666.
Pheochromocytoma/paraganglioma syndrome 4. Also called: PARAGANGLIOMA, FAMILIAL MALIGNANT; PARAGANGLIOMAS, HEREDITARY EXTRAADRENAL; PHEOCHROMOCYTOMA, FAMILIAL EXTRAADRENAL; Paragangliomas 4; SDHB-Related Hereditary Paraganglioma-Pheochromocytoma Syndrome (Paragangliomas 4); SDHB-Related Hereditary Paraganglioma-Pheochromocytoma Syndrome. Identifiers: Orphanet 29072, MedGen C1861848, MONDO:0007273, OMIM 115310.
Hereditary pheochromocytoma and paraganglioma. Also called: Hereditary Paraganglioma-Pheochromocytoma Syndromes; Hereditary pheochromocytoma-paraganglioma; Hereditary paragangliomas and pheochromocytomas. Identifiers: Orphanet 29072, MedGen C4274332, MONDO:0017366.

Submissions (3):

Labcorp Genetics (formerly Invitae), Labcorp
Classification: Pathogenic for Gastrointestinal stromal tumor; Pheochromocytoma/paraganglioma syndrome 4; Pheochromocytoma. Last evaluated: 2025-03-26. Review status: criteria provided, single submitter. Criteria: Invitae Variant Classification Sherloc (09022015). Collection method: clinical testing. Allele origin: germline.
Comment: This sequence change replaces cysteine, which is neutral and slightly polar, with phenylalanine, which is neutral and non-polar, at codon 189 of the SDHB protein (p.Cys189Phe). This variant is not present in population databases (gnomAD no frequency). This missense change has been observed in individuals with paraganglioma, gastrointestinal stromal tumor and/or pheochromocytomas (PMID: 19001511, 34906457; internal data). ClinVar contains an entry for this variant (Variation ID: 230387). Invitae Evidence Modeling of protein sequence and biophysical properties (such as structural, functional, and spatial information, amino acid conservation, physicochemical variation, residue mobility, and thermodynamic stability) indicates that this missense variant is expected to disrupt SDHB protein function with a positive predictive value of 80%. This variant disrupts the p.Cys189 amino acid residue in SDHB. Other variant(s) that disrupt this residue have been observed in individuals with SDHB-related conditions (PMID: 27279923), which suggests that this may be a clinically significant amino acid residue. For these reasons, this variant has been classified as Pathogenic.

Ambry Genetics
Classification: Likely pathogenic for Hereditary cancer-predisposing syndrome. Last evaluated: 2025-02-20. Review status: criteria provided, single submitter. Criteria: Ambry Variant Classification Scheme 2023. Collection method: clinical testing. Allele origin: germline.
Comment: The p.C189F variant (also known as c.566G>T), located in coding exon 6 of the SDHB gene, results from a G to T substitution at nucleotide position 566. The cysteine at codon 189 is replaced by phenylalanine, an amino acid with highly dissimilar properties. This alteration has been detected in multiple patients with a paraganglioma (Joshua AM et al. J Clin Endocrinol Metab, 2009 Jan;94:5-9; Ye L et al. Endocr Rev, 2010 Aug;31:578-99; Ambry internal data). The Cys189 residue plays a vital role coordinating the Fe4S4 cluster and it is believed that alterations at this location would prevent assembly of Complex II (Iverson TM, J. Biol. Chem. 2012 Oct; 287(42):35430-8). This amino acid position is highly conserved in available vertebrate species. In addition, this alteration is predicted to be deleterious by in silico analysis. Based on the majority of available evidence to date, this variant is likely to be pathogenic.

Section on Medical Neuroendocrinolgy, National Institutes of Health
Classification: Likely pathogenic for Hereditary pheochromocytoma and paraganglioma. Review status: no assertion criteria provided. Collection method: research. Allele origin: germline. Affected: no. Not counted in ClinVar's aggregate classification.

Literature cited by the submitters: PubMed 19001511 (cited by Labcorp Genetics (formerly Invitae), Labcorp and Ambry Genetics); PubMed 34906457 (cited by Labcorp Genetics (formerly Invitae), Labcorp); PubMed 27279923 (cited by Labcorp Genetics (formerly Invitae), Labcorp); PubMed 20605972 (cited by Ambry Genetics); PubMed 22904323 (cited by Ambry Genetics).